The following is an entry in ClinVar:

ClinVar aggregate classification (germline): Uncertain significance. Review status: criteria provided, multiple submitters, no conflicts (2 of 4 stars). 2 submissions from 2 submitters: Uncertain significance (2). Last evaluated 2024-12-02.

Conditions:
Inborn genetic diseases. Identifiers: MedGen C0950123, MeSH D030342.

Allele frequency attached by ClinVar (database versions not stated): gnomAD exomes below 0.00001; TOPMed below 0.00001; ExAC 0.00001.

Submissions (2):

Ambry Genetics
Classification: Uncertain significance for Inborn genetic diseases. Last evaluated: 2024-12-02. Review status: criteria provided, single submitter. Criteria: Ambry Variant Classification Scheme 2023. Collection method: clinical testing. Allele origin: germline.

Labcorp Genetics (formerly Invitae), Labcorp
Classification: Uncertain significance. Last evaluated: 2023-10-13. Review status: criteria provided, single submitter. Criteria: Invitae Variant Classification Sherloc (09022015). Collection method: clinical testing. Allele origin: germline.
Comment: This sequence change replaces aspartic acid, which is acidic and polar, with glycine, which is neutral and non-polar, at codon 1101 of the NBAS protein (p.Asp1101Gly). This variant is present in population databases (rs778094916, gnomAD 0.003%). This variant has not been reported in the literature in individuals affected with NBAS-related conditions. ClinVar contains an entry for this variant (Variation ID: 1462305). Advanced modeling of protein sequence and biophysical properties (such as structural, functional, and spatial information, amino acid conservation, physicochemical variation, residue mobility, and thermodynamic stability) performed at Invitae indicates that this missense variant is not expected to disrupt NBAS protein function. In summary, the available evidence is currently insufficient to determine the role of this variant in disease. Therefore, it has been classified as a Variant of Uncertain Significance.

NM_015909.4(NBAS):c.3302A>G (p.Asp1101Gly)

Gene: NBAS (NBAS subunit of NRZ tethering complex; minus strand). Cytogenetic location: 2p24.3.
Variant type: single nucleotide variant.
Coding change: c.3302A>G on transcript NM_015909.4 (MANE Select); coding-DNA position 3302, A replaced by G.
Protein change: p.Asp1101Gly; replaces aspartic acid 1101 with glycine.
Molecular consequence: missense variant. On other transcripts: non-coding transcript variant (1).
Genome position (GRCh38, 1-based): chr2:15,383,273, T>C on the plus strand (A>G on the coding strand, the complement: NBAS is on the minus strand). VCF-style: chr2-15383273-T-C. GRCh37 (hg19) VCF-style: chr2-15523397-T-C.
Other names: c.3302A>G (NM_015909.2); short protein forms D1101G.
Identifiers: ClinVar variation 1462305 (VCV001462305.5), dbSNP rs778094916, ClinGen allele CA1536070.